The following is an entry in ClinVar:

ClinVar aggregate classification (germline): Uncertain significance (1 of 4 stars; one submission).

Conditions:
Hereditary cancer-predisposing syndrome. Also called: Tumor predisposition; Hereditary Cancer Syndrome; Hereditary neoplastic syndrome; Neoplastic Syndromes, Hereditary. Identifiers: Orphanet 140162, MedGen C0027672, MeSH D009386, MONDO:0015356.

Submission:

Ambry Genetics
Classification: Uncertain significance for Hereditary cancer-predisposing syndrome. Last evaluated: 2025-12-05. Review status: criteria provided, single submitter. Criteria: Ambry Variant Classification Scheme 2023. Collection method: clinical testing. Allele origin: germline.
Comment: The c.182+3A>T intronic variant results from an A to T substitution 3 nucleotides after coding exon 1 in the SUFU gene. This nucleotide position is not well conserved in available vertebrate species. This variant has been identified in an individual with pediatric medulloblastoma, but absent of features consistent with nevoid basal cell carcinoma syndrome (Brugi&egrave;res L. et al. J Clin Oncol 2012 Jun;30(17):2087-93; Guerrini-Rousseau, L et al. Neuro Oncol 2017 Nov 24;20(8):1122&ndash;1132.). In silico splice site analysis predicts that this alteration will weaken the native splice donor site and will result in the creation or strengthening of a novel splice donor site. RNA studies have demonstrated that this alteration results in a splice defect; the clinical impact of this abnormal splicing is unknown at this time (Ambry internal data; Brugi&egrave;res L. et al. J Clin Oncol 2012 Jun;30(17):2087-93). Based on the available evidence, the clinical significance of this variant remains unclear.

Literature cited by the submitters: PubMed 22508808; PubMed 29186568.

NM_016169.4(SUFU):c.182+3A>T

Gene: SUFU (SUFU negative regulator of hedgehog signaling; plus strand). Cytogenetic location: 10q24.32.
Variant type: single nucleotide variant.
Coding change: c.182+3A>T on transcript NM_016169.4 (MANE Select); 3 bases into the intron after coding-DNA position 182, A replaced by T.
Molecular consequence: intron variant.
Genome position (GRCh38, 1-based): chr10:102,504,337, A>T. VCF-style: chr10-102504337-A-T. GRCh37 (hg19) VCF-style: chr10-104264094-A-T.
Other names: c.182+3A>T (NM_001178133.2).
Identifiers: ClinVar variation 4551834 (VCV004551834.1).
Genomic context (GRCh38, chr10:102,504,337, plus strand): 5'-GCCGCCTTTACCCTGACCAGCCGAACCCGCTCCAGGTTACCGCTATCGTCAAGTACTGGT[A>T]TGCTCTGGGCCGCGGGGAGACGGACAGGCGCGGGCTGGAAAGGGTTAAAGCGCCGAGGGC-3'